The following is an entry in ClinVar:

ClinVar aggregate classification (germline): Uncertain significance (1 of 4 stars; one submission).

Conditions:
Severe early-onset pulmonary alveolar proteinosis due to MARS deficiency. Also called: PULMONARY ALVEOLAR PROTEINOSIS, REUNION ISLAND; Interstitial lung and liver disease. Identifiers: Orphanet 440427, MedGen C4225400, MONDO:0014206, OMIM 615486.
Charcot-Marie-Tooth disease axonal type 2U. Also called: CHARCOT-MARIE-TOOTH NEUROPATHY, TYPE 2U; CHARCOT-MARIE-TOOTH DISEASE, AXONAL, AUTOSOMAL DOMINANT, TYPE 2U. Identifiers: Orphanet 397735, MedGen C4084821, MONDO:0014566, OMIM 616280.

gnomAD v4.1: 1 of 1,614,222 alleles (0.000062%); highest among the groups gnomAD compares: African/African-American, 0.0013%; no homozygotes.

Submission:

Labcorp Genetics (formerly Invitae), Labcorp
Classification: Uncertain significance for Charcot-Marie-Tooth disease axonal type 2U; Severe early-onset pulmonary alveolar proteinosis due to MARS deficiency. Last evaluated: 2025-10-22. Review status: criteria provided, single submitter. Criteria: Invitae Variant Classification Sherloc (09022015). Collection method: clinical testing. Allele origin: germline.
Comment: This sequence change replaces isoleucine, which is neutral and non-polar, with methionine, which is neutral and non-polar, at codon 284 of the MARS protein (p.Ile284Met). This variant is not present in population databases (gnomAD no frequency). This variant has not been reported in the literature in individuals affected with MARS-related conditions. An algorithm developed to predict the effect of missense changes on protein structure and function (PolyPhen-2) suggests that this variant is likely to be disruptive. In summary, the available evidence is currently insufficient to determine the role of this variant in disease. Therefore, it has been classified as a Variant of Uncertain Significance.

NM_004990.4(MARS1):c.852C>G (p.Ile284Met)

Gene: MARS1 (methionyl-tRNA synthetase 1; plus strand). Cytogenetic location: 12q13.3.
Variant type: single nucleotide variant.
Coding change: c.852C>G on transcript NM_004990.4 (MANE Select); coding-DNA position 852, C replaced by G.
Protein change: p.Ile284Met; replaces isoleucine 284 with methionine.
Molecular consequence: missense variant.
Genome position (GRCh38, 1-based): chr12:57,498,238, C>G. VCF-style: chr12-57498238-C-G. GRCh37 (hg19) VCF-style: chr12-57892021-C-G.
Other names: short protein forms I284M.
Identifiers: ClinVar variation 4785309 (VCV004785309.1).
Genomic context (GRCh38, chr12:57,498,238, plus strand): 5'-GAATGTGCTCATCACCAGTGCCCTCCCTTACGTCAACAATGTCCCCCACCTTGGGAACAT[C>G]ATTGGTTGTGTGCTCAGTGCCGATGTCTTTGCCAGGTGGAGCCAGCTGCTCGGGGAGAGA-3'
Protein context (NP_004981.2, residues 274-294): YVNNVPHLGN[Ile284Met]IGCVLSADVF